The following is an entry in ClinVar:

ClinVar aggregate classification (germline): Likely benign. Review status: criteria provided, single submitter (1 of 4 stars). 2 submissions from 2 submitters: Likely benign (1). 1 of the submissions does not count toward it. Last evaluated 2024-11-12.

Conditions:
SASH1-related disorder. Also called: SASH1-related condition.

Allele frequency attached by ClinVar (database versions not stated): 1000 Genomes Project 0.00339; 1000 Genomes Project 30x 0.00344; ESP Exome Variant Server 0.00423.
gnomAD v4.1: 1,088 of 1,612,912 alleles (0.067%); highest among the groups gnomAD compares: African/African-American, 1.3%; 6 homozygotes.

Submissions (2):

Blueprint Genetics
Classification: Likely benign. Last evaluated: 2024-11-12. Review status: criteria provided, single submitter. Criteria: ACMG Guidelines, 2015. Collection method: clinical testing. Allele origin: germline.

PreventionGenetics, part of Exact Sciences
Classification: Benign for SASH1-related condition. Last evaluated: 2019-12-06. Review status: no assertion criteria provided. Collection method: clinical testing. Allele origin: germline. Not counted in ClinVar's aggregate classification.
Comment: This variant is classified as benign based on ACMG/AMP sequence variant interpretation guidelines (Richards et al. 2015 PMID: 25741868, with internal and published modifications).

NM_015278.5(SASH1):c.1944+7C>G

Gene: SASH1 (SAM and SH3 domain containing 1; plus strand). Cytogenetic location: 6q25.1.
Variant type: single nucleotide variant.
Coding change: c.1944+7C>G on transcript NM_015278.5 (MANE Select); 7 bases into the intron after coding-DNA position 1944, C replaced by G.
Molecular consequence: intron variant.
Genome position (GRCh38, 1-based): chr6:148,533,987, C>G. VCF-style: chr6-148533987-C-G. GRCh37 (hg19) VCF-style: chr6-148855123-C-G.
Other names: c.1809+7C>G (NM_001346505.2); c.1572+7C>G (NM_001346506.2); c.1716+7C>G (NM_001346508.2); c.1227+7C>G (NM_001346507.2); c.1593+7C>G (NM_001346509.2).
Identifiers: ClinVar variation 3050809 (VCV003050809.3), dbSNP rs150056851, ClinGen allele CA4040463.